The following is an entry in ClinVar:

ClinVar aggregate classification (germline): Uncertain significance. Review status: criteria provided, multiple submitters, no conflicts (2 of 4 stars). 3 submissions from 3 submitters: Uncertain significance (3). Last evaluated 2025-12-03.

Conditions:
Hereditary cancer-predisposing syndrome. Also called: Tumor predisposition; Neoplastic Syndromes, Hereditary; Hereditary Cancer Syndrome; Hereditary neoplastic syndrome. Identifiers: Orphanet 140162, MedGen C0027672, MeSH D009386, MONDO:0015356.
Microcephaly, normal intelligence and immunodeficiency (NBS). Also called: BERLIN BREAKAGE SYNDROME; Ataxia telangiectasia variant V1; IMMUNODEFICIENCY, MICROCEPHALY, AND CHROMOSOMAL INSTABILITY; SEEMANOVA SYNDROME II; Immunodeficiency, microcephaly with normal intelligence; Nijmegen breakage syndrome. Identifiers: Orphanet 647, MedGen C0398791, MONDO:0009623, OMIM 251260.

Allele frequency attached by ClinVar (database versions not stated): gnomAD exomes below 0.00001; TOPMed below 0.00001; gnomAD 0.00001.
gnomAD v4.1: 3 of 1,613,610 alleles (0.00019%); highest among the groups gnomAD compares: Non-Finnish European, 0.00017%; no homozygotes.

Submissions (3):

Labcorp Genetics (formerly Invitae), Labcorp
Classification: Uncertain significance for Microcephaly, normal intelligence and immunodeficiency. Last evaluated: 2025-12-03. Review status: criteria provided, single submitter. Criteria: Invitae Variant Classification Sherloc (09022015). Collection method: clinical testing. Allele origin: germline.
Comment: This sequence change replaces threonine, which is neutral and polar, with isoleucine, which is neutral and non-polar, at codon 337 of the NBN protein (p.Thr337Ile). This variant is not present in population databases (gnomAD no frequency). This variant has not been reported in the literature in individuals affected with NBN-related conditions. ClinVar contains an entry for this variant (Variation ID: 628930). An algorithm developed to predict the effect of missense changes on protein structure and function (PolyPhen-2) suggests that this variant is likely to be tolerated. In summary, the available evidence is currently insufficient to determine the role of this variant in disease. Therefore, it has been classified as a Variant of Uncertain Significance.

Ambry Genetics
Classification: Uncertain significance for Hereditary cancer-predisposing syndrome. Last evaluated: 2025-05-06. Review status: criteria provided, single submitter. Criteria: Ambry Variant Classification Scheme 2023. Collection method: clinical testing. Allele origin: germline.
Comment: The p.T337I variant (also known as c.1010C>T), located in coding exon 9 of the NBN gene, results from a C to T substitution at nucleotide position 1010. The threonine at codon 337 is replaced by isoleucine, an amino acid with similar properties. This amino acid position is well conserved in available vertebrate species. In addition, this alteration is predicted to be tolerated by in silico analysis. Since supporting evidence is limited at this time, the clinical significance of this alteration remains unclear.

Genome-Nilou Lab
Classification: Uncertain significance for Microcephaly, normal intelligence and immunodeficiency. Last evaluated: 2021-11-07. Review status: criteria provided, single submitter. Criteria: ACMG Guidelines, 2015. Collection method: clinical testing. Allele origin: germline. Affected: no.

NM_002485.5(NBN):c.1010C>T (p.Thr337Ile)

Gene: NBN (nibrin; minus strand). Cytogenetic location: 8q21.3.
Variant type: single nucleotide variant.
Coding change: c.1010C>T on transcript NM_002485.5 (MANE Select); coding-DNA position 1010, C replaced by T.
Protein change: p.Thr337Ile; replaces threonine 337 with isoleucine.
Molecular consequence: missense variant.
Genome position (GRCh38, 1-based): chr8:89,958,839, G>A on the plus strand (C>T on the coding strand, the complement: NBN is on the minus strand). VCF-style: chr8-89958839-G-A. GRCh37 (hg19) VCF-style: chr8-90971067-G-A.
Other names: c.764C>T, p.Thr255Ile (NM_001024688.3); short protein forms T337I, T255I.
Identifiers: ClinVar variation 628930 (VCV000628930.17), dbSNP rs1335655343, ClinGen allele CA371656790.